The following is an entry in ClinVar:

ClinVar aggregate classification (germline): Uncertain significance. Review status: criteria provided, multiple submitters, no conflicts (2 of 4 stars). 2 submissions from 2 submitters: Uncertain significance (2). Last evaluated 2025-09-25.

Conditions:
Hereditary cancer-predisposing syndrome. Also called: Neoplastic Syndromes, Hereditary; Tumor predisposition; Hereditary Cancer Syndrome; Hereditary neoplastic syndrome. Identifiers: Orphanet 140162, MedGen C0027672, MeSH D009386, MONDO:0015356.
Neuroblastoma, susceptibility to, 3. Also called: ALK-Related Neuroblastic Tumor Susceptibility. Identifiers: Orphanet 635, MedGen C2751681, MONDO:0013083, OMIM 613014.

Allele frequency attached by ClinVar (database versions not stated): gnomAD exomes below 0.00001.
gnomAD v4.1: 7 of 1,614,148 alleles (0.00043%); highest among the groups gnomAD compares: African/African-American, 0.0093%; no homozygotes.

Submissions (2):

Ambry Genetics
Classification: Uncertain significance for Hereditary cancer-predisposing syndrome. Last evaluated: 2025-09-25. Review status: criteria provided, single submitter. Criteria: Ambry Variant Classification Scheme 2023. Collection method: clinical testing. Allele origin: germline.
Comment: The p.E1371K variant (also known as c.4111G>A), located in coding exon 28 of the ALK gene, results from a G to A substitution at nucleotide position 4111. The glutamic acid at codon 1371 is replaced by lysine, an amino acid with similar properties. This amino acid position is highly conserved in available vertebrate species. In addition, the in silico prediction for this alteration is inconclusive. Since supporting evidence is limited at this time, the clinical significance of this alteration remains unclear.

Labcorp Genetics (formerly Invitae), Labcorp
Classification: Uncertain significance for Neuroblastoma, susceptibility to, 3. Last evaluated: 2023-03-09. Review status: criteria provided, single submitter. Criteria: Invitae Variant Classification Sherloc (09022015). Collection method: clinical testing. Allele origin: germline.
Comment: In summary, the available evidence is currently insufficient to determine the role of this variant in disease. Therefore, it has been classified as a Variant of Uncertain Significance. An algorithm developed to predict the effect of missense changes on protein structure and function (PolyPhen-2) suggests that this variant is likely to be disruptive. ClinVar contains an entry for this variant (Variation ID: 1737933). This variant has not been reported in the literature in individuals affected with ALK-related conditions. This variant is present in population databases (no rsID available, gnomAD 0.007%). This sequence change replaces glutamic acid, which is acidic and polar, with lysine, which is basic and polar, at codon 1371 of the ALK protein (p.Glu1371Lys).

NM_004304.5(ALK):c.4111G>A (p.Glu1371Lys)

Gene: ALK (ALK receptor tyrosine kinase; minus strand). Cytogenetic location: 2p23.2.
Variant type: single nucleotide variant.
Coding change: c.4111G>A on transcript NM_004304.5 (MANE Select); coding-DNA position 4111, G replaced by A.
Protein change: p.Glu1371Lys; replaces glutamic acid 1371 with lysine.
Molecular consequence: missense variant.
Genome position (GRCh38, 1-based): chr2:29,196,823, C>T on the plus strand (G>A on the coding strand, the complement: ALK is on the minus strand). VCF-style: chr2-29196823-C-T. GRCh37 (hg19) VCF-style: chr2-29419689-C-T.
Other names: c.907G>A, p.Glu303Lys (NM_001353765.2); short protein forms E303K, E1371K.
Identifiers: ClinVar variation 1737933 (VCV001737933.7), dbSNP rs1437829239, ClinGen allele CA346465216.